The following is an entry in ClinVar:

NM_000051.4(ATM):c.7935A>G (p.Ile2645Met)

Genes: ATM (ATM serine/threonine kinase; plus strand), C11orf65 (chromosome 11 open reading frame 65; minus strand). Cytogenetic location: 11q22.3.
Variant type: single nucleotide variant.
Coding change: c.7935A>G on transcript NM_000051.4 (MANE Select); coding-DNA position 7935, A replaced by G.
Protein change: p.Ile2645Met; replaces isoleucine 2645 with methionine.
Molecular consequence: missense variant. On other transcripts: intron variant (2).
Genome position (GRCh38, 1-based): chr11:108,333,893, A>G. VCF-style: chr11-108333893-A-G. GRCh37 (hg19) VCF-style: chr11-108204620-A-G.
Other names: c.7935A>G, p.Ile2645Met (NM_001351834.2); c.641-24822T>C (NM_001330368.2); c.*38+1327T>C (NM_001351110.2); short protein forms I2645M.
Identifiers: ClinVar variation 827343 (VCV000827343.7), dbSNP rs1591184158, ClinGen allele CA382561665.

ClinVar aggregate classification (germline): Uncertain significance (1 of 4 stars; one submission).

Conditions:
Hereditary cancer-predisposing syndrome. Also called: Tumor predisposition; Neoplastic Syndromes, Hereditary; Hereditary Cancer Syndrome; Hereditary neoplastic syndrome. Identifiers: Orphanet 140162, MedGen C0027672, MeSH D009386, MONDO:0015356.

Submission:

Ambry Genetics
Classification: Uncertain significance for Hereditary cancer-predisposing syndrome. Last evaluated: 2025-12-18. Review status: criteria provided, single submitter. Criteria: Ambry Variant Classification Scheme 2023. Collection method: clinical testing. Allele origin: germline.
Comment: The p.I2645M variant (also known as c.7935A>G), located in coding exon 53 of the ATM gene, results from an A to G substitution at nucleotide position 7935. The isoleucine at codon 2645 is replaced by methionine, an amino acid with highly similar properties. In an assay testing ATM function, this variant showed a functionally normal result (Lee KS et al. Cell, 2025 Sep;188:5081-5099.e27). This amino acid position is highly conserved in available vertebrate species. In addition, the in silico prediction for this alteration is inconclusive. Based on the available evidence, the clinical significance of this variant remains unclear.

Literature cited by the submitters: PubMed 40580951.